The following is an entry in ClinVar:

ClinVar aggregate classification (germline): Uncertain significance. Review status: criteria provided, multiple submitters, no conflicts (2 of 4 stars). 2 submissions from 2 submitters: Uncertain significance (2). Last evaluated 2024-12-02.

Conditions:
Hereditary cancer-predisposing syndrome. Also called: Neoplastic Syndromes, Hereditary; Tumor predisposition; Hereditary neoplastic syndrome; Hereditary Cancer Syndrome. Identifiers: Orphanet 140162, MedGen C0027672, MeSH D009386, MONDO:0015356.
Retinoblastoma (RB1). Also called: RETINOBLASTOMA, SOMATIC. Identifiers: Orphanet 790, MedGen C0035335, MeSH D012175, MONDO:0008380, OMIM 180200, HP:0009919. Disease mechanism: loss of function. Inheritance: Both sporadic and heritable forms are tested..

Submissions (2):

Ambry Genetics
Classification: Uncertain significance for Hereditary cancer-predisposing syndrome. Last evaluated: 2024-12-02. Review status: criteria provided, single submitter. Criteria: Ambry Variant Classification Scheme 2023. Collection method: clinical testing. Allele origin: germline.
Comment: The p.V144A variant (also known as c.431T>C), located in coding exon 4 of the RB1 gene, results from a T to C substitution at nucleotide position 431. The valine at codon 144 is replaced by alanine, an amino acid with similar properties. This amino acid position is conserved. In addition, the in silico prediction for this alteration is inconclusive. Based on the available evidence, the clinical significance of this variant remains unclear.

Labcorp Genetics (formerly Invitae), Labcorp
Classification: Uncertain significance for Retinoblastoma. Last evaluated: 2022-07-11. Review status: criteria provided, single submitter. Criteria: Invitae Variant Classification Sherloc (09022015). Collection method: clinical testing. Allele origin: germline.
Comment: ClinVar contains an entry for this variant (Variation ID: 1390181). This sequence change replaces valine, which is neutral and non-polar, with alanine, which is neutral and non-polar, at codon 144 of the RB1 protein (p.Val144Ala). This variant is not present in population databases (gnomAD no frequency). This variant has not been reported in the literature in individuals affected with RB1-related conditions. Algorithms developed to predict the effect of missense changes on protein structure and function (SIFT, PolyPhen-2, Align-GVGD) all suggest that this variant is likely to be disruptive. In summary, the available evidence is currently insufficient to determine the role of this variant in disease. Therefore, it has been classified as a Variant of Uncertain Significance.

NM_000321.3(RB1):c.431T>C (p.Val144Ala)

Gene: RB1 (RB transcriptional corepressor 1; plus strand). Cytogenetic location: 13q14.2.
Variant type: single nucleotide variant.
Coding change: c.431T>C on transcript NM_000321.3 (MANE Select); coding-DNA position 431, T replaced by C.
Protein change: p.Val144Ala; replaces valine 144 with alanine.
Molecular consequence: missense variant.
Genome position (GRCh38, 1-based): chr13:48,345,130, T>C. VCF-style: chr13-48345130-T-C. GRCh37 (hg19) VCF-style: chr13-48919266-T-C.
Other names: c.431T>C (NM_000321.2); short protein forms V144A.
Identifiers: ClinVar variation 1390181 (VCV001390181.7), dbSNP rs2138087434, ClinGen allele CA388252708.
Genomic context (GRCh38, chr13:48,345,130, plus strand): 5'-TCCTTTGTAGTGTCCATAAATTCTTTAACTTACTAAAAGAAATTGATACCAGTACCAAAG[T>C]TGATAATGCTATGTCAAGACTGTTGAAGAAGTATGATGTATTGTTTGCACTCTTCAGCAA-3'
Protein context (NP_000312.2, residues 134-154): LLKEIDTSTK[Val144Ala]DNAMSRLLKK